The following is an entry in ClinVar:

ClinVar aggregate classification (germline): Uncertain significance (1 of 4 stars; one submission).

Allele frequency attached by ClinVar (database versions not stated): gnomAD exomes below 0.00001.
gnomAD v4.1: 1 of 1,528,034 alleles (0.000065%); highest among the groups gnomAD compares: Admixed American, 0.002%; no homozygotes.

Submission:

Labcorp Genetics (formerly Invitae), Labcorp
Classification: Uncertain significance. Last evaluated: 2022-12-06. Review status: criteria provided, single submitter. Criteria: Invitae Variant Classification Sherloc (09022015). Collection method: clinical testing. Allele origin: germline.
Comment: In summary, the available evidence is currently insufficient to determine the role of this variant in disease. Therefore, it has been classified as a Variant of Uncertain Significance. Algorithms developed to predict the effect of missense changes on protein structure and function (SIFT, PolyPhen-2, Align-GVGD) all suggest that this variant is likely to be disruptive. This variant has not been reported in the literature in individuals affected with RAX2-related conditions. This variant is not present in population databases (gnomAD no frequency). This sequence change replaces proline, which is neutral and non-polar, with leucine, which is neutral and non-polar, at codon 111 of the RAX2 protein (p.Pro111Leu).

NM_001319074.4(RAX2):c.332C>T (p.Pro111Leu)

Gene: RAX2 (retina and anterior neural fold homeobox 2; minus strand). Cytogenetic location: 19p13.3.
Variant type: single nucleotide variant.
Coding change: c.332C>T on transcript NM_001319074.4 (MANE Select); coding-DNA position 332, C replaced by T.
Protein change: p.Pro111Leu; replaces proline 111 with leucine.
Molecular consequence: missense variant.
Genome position (GRCh38, 1-based): chr19:3,770,844, G>A on the plus strand (C>T on the coding strand, the complement: RAX2 is on the minus strand). VCF-style: chr19-3770844-G-A. GRCh37 (hg19) VCF-style: chr19-3770842-G-A.
Other names: c.332C>T, p.Pro111Leu (NM_032753.4); short protein forms P111L.
Identifiers: ClinVar variation 2964397 (VCV002964397.3), dbSNP rs2512317595, ClinGen allele CA403374750.